The following is an entry in ClinVar:

ClinVar aggregate classification (germline): Uncertain significance (1 of 4 stars; one submission).

Submissions (2):

Labcorp Genetics (formerly Invitae), Labcorp
Classification: Uncertain significance. Last evaluated: 2023-03-18. Review status: criteria provided, single submitter. Criteria: Invitae Variant Classification Sherloc (09022015). Collection method: clinical testing. Allele origin: germline.
Comment: This variant is present in population databases (rs587726180, gnomAD 0.0009%). In summary, the available evidence is currently insufficient to determine the role of this variant in disease. Therefore, it has been classified as a Variant of Uncertain Significance. Advanced modeling of protein sequence and biophysical properties (such as structural, functional, and spatial information, amino acid conservation, physicochemical variation, residue mobility, and thermodynamic stability) performed at Invitae indicates that this missense variant is not expected to disrupt ADAMTS13 protein function. This variant has not been reported in the literature in individuals affected with ADAMTS13-related conditions. This sequence change replaces alanine, which is neutral and non-polar, with glycine, which is neutral and non-polar, at codon 653 of the ADAMTS13 protein (p.Ala653Gly).

Dr. Peter K. Rogan Lab, Western University
No classification provided (evidence only). Condition: Thyroid cancer, nonmedullary, 1. Review status: no classification provided. Collection method: in vitro. Allele origin: not applicable. Functional consequence: retained intron. Not counted in ClinVar's aggregate classification.

NM_139027.6(ADAMTS13):c.1958C>G (p.Ala653Gly)

Gene: ADAMTS13 (ADAM metallopeptidase with thrombospondin type 1 motif 13; plus strand). Cytogenetic location: 9q34.2.
Variant type: single nucleotide variant.
Coding change: c.1958C>G on transcript NM_139027.6 (MANE Select); coding-DNA position 1958, C replaced by G.
Protein change: p.Ala653Gly; replaces alanine 653 with glycine.
Molecular consequence: missense variant. On other transcripts: non-coding transcript variant (1).
Genome position (GRCh38, 1-based): chr9:133,440,515, C>G. VCF-style: chr9-133440515-C-G. GRCh37 (hg19) VCF-style: chr9-136305636-C-G.
Other names: c.1958C>G, p.Ala653Gly (NM_139025.5); c.1865C>G, p.Ala622Gly (NM_139026.6); short protein forms A622G, A653G.
Identifiers: ClinVar variation 3002463 (VCV003002463.4), dbSNP rs587726180, ClinGen allele CA200932632.